The following is an entry in ClinVar:

NM_000747.3(CHRNB1):c.579G>C (p.Gln193His)

Gene: CHRNB1 (cholinergic receptor nicotinic beta 1 subunit; plus strand). Cytogenetic location: 17p13.1.
Variant type: single nucleotide variant.
Coding change: c.579G>C on transcript NM_000747.3 (MANE Select); coding-DNA position 579, G replaced by C.
Protein change: p.Gln193His; replaces glutamine 193 with histidine.
Molecular consequence: missense variant.
Genome position (GRCh38, 1-based): chr17:7,447,619, G>C. VCF-style: chr17-7447619-G-C. GRCh37 (hg19) VCF-style: chr17-7350938-G-C.
Other names: short protein forms Q193H.
Identifiers: ClinVar variation 5040472 (VCV005040472.1).

ClinVar aggregate classification (germline): Uncertain significance (1 of 4 stars; one submission).

Submission:

CeGaT Center for Human Genetics Tuebingen
Classification: Uncertain significance. Last evaluated: 2026-08-01. Review status: criteria provided, single submitter. Criteria: CeGaT Center For Human Genetics Tuebingen Variant Classification Criteria Version 2. Collection method: clinical testing. Allele origin: germline. Affected: yes. Observed: 1 variant allele.
Comment: CHRNB1: PM2, BP4